The following is an entry in ClinVar:

ClinVar aggregate classification (germline): Uncertain significance. Review status: criteria provided, multiple submitters, no conflicts (2 of 4 stars). 3 submissions from 3 submitters: Uncertain significance (3). Last evaluated 2025-10-29.

Conditions:
Bardet-Biedl syndrome (BBS). Identifiers: Orphanet 110, MedGen C0752166, MONDO:0015229.
Inborn genetic diseases. Identifiers: MedGen C0950123, MeSH D030342.

Allele frequency attached by ClinVar (database versions not stated): ExAC 0.00001; gnomAD exomes 0.00001 and 0.00003; TOPMed 0.00002.
gnomAD v4.1: 40 of 1,614,034 alleles (0.0025%); highest among the groups gnomAD compares: Non-Finnish European, 0.0034%; no homozygotes.

Submissions (3):

Ambry Genetics
Classification: Uncertain significance for Inborn genetic diseases. Last evaluated: 2025-10-29. Review status: criteria provided, single submitter. Criteria: Ambry Variant Classification Scheme 2023. Collection method: clinical testing. Allele origin: germline.

Labcorp Genetics (formerly Invitae), Labcorp
Classification: Uncertain significance for Bardet-Biedl syndrome. Last evaluated: 2022-08-22. Review status: criteria provided, single submitter. Criteria: Invitae Variant Classification Sherloc (09022015). Collection method: clinical testing. Allele origin: germline.
Comment: This sequence change replaces arginine, which is basic and polar, with cysteine, which is neutral and slightly polar, at codon 33 of the TRIM32 protein (p.Arg33Cys). This variant is present in population databases (rs778141507, gnomAD 0.002%). This variant has not been reported in the literature in individuals affected with TRIM32-related conditions. ClinVar contains an entry for this variant (Variation ID: 851419). Algorithms developed to predict the effect of missense changes on protein structure and function (SIFT, PolyPhen-2, Align-GVGD) all suggest that this variant is likely to be disruptive. In summary, the available evidence is currently insufficient to determine the role of this variant in disease. Therefore, it has been classified as a Variant of Uncertain Significance.

Revvity Omics, Revvity
Classification: Uncertain significance. Last evaluated: 2019-08-21. Review status: criteria provided, single submitter. Criteria: ACMG Guidelines, 2015. Collection method: clinical testing. Allele origin: germline.

NM_012210.4(TRIM32):c.97C>T (p.Arg33Cys)

Genes: ASTN2 (astrotactin 2; minus strand), TRIM32 (tripartite motif containing 32; plus strand). Cytogenetic location: 9q33.1.
Variant type: single nucleotide variant.
Coding change: c.97C>T on transcript NM_012210.4 (MANE Select); coding-DNA position 97, C replaced by T.
Protein change: p.Arg33Cys; replaces arginine 33 with cysteine.
Molecular consequence: missense variant. On other transcripts: intron variant (3).
Genome position (GRCh38, 1-based): chr9:116,697,839, C>T. VCF-style: chr9-116697839-C-T. GRCh37 (hg19) VCF-style: chr9-119460118-C-T.
Other names: c.97C>T, p.Arg33Cys (NM_001099679.2, NM_001379048.1, NM_001379049.1 and 1 more transcripts); c.2653+27932G>A (NM_014010.5); c.2794+27932G>A (NM_001365069.1); c.2806+27932G>A (NM_001365068.1); short protein forms R33C.
Identifiers: ClinVar variation 851419 (VCV000851419.11), dbSNP rs778141507, ClinGen allele CA5210902.
Genomic context (GRCh38, chr9:116,697,839, plus strand): 5'-GCCCTCCGGGAAGTGCTAGAATGCCCCATCTGCATGGAGTCCTTCACAGAAGAGCAGCTG[C>T]GTCCCAAGCTTCTGCACTGTGGCCATACCATCTGCCGCCAGTGCCTGGAGAAGCTATTGG-3'
Protein context (NP_036342.2, residues 23-43): CMESFTEEQL[Arg33Cys]PKLLHCGHTI